The following is an entry in ClinVar:

NM_000812.4(GABRB1):c.1232G>T (p.Arg411Leu)

Gene: GABRB1 (gamma-aminobutyric acid type A receptor subunit beta1; plus strand). Cytogenetic location: 4p12.
Variant type: single nucleotide variant.
Coding change: c.1232G>T on transcript NM_000812.4 (MANE Select); coding-DNA position 1232, G replaced by T.
Protein change: p.Arg411Leu; replaces arginine 411 with leucine.
Molecular consequence: missense variant.
Genome position (GRCh38, 1-based): chr4:47,425,825, G>T. VCF-style: chr4-47425825-G-T. GRCh37 (hg19) VCF-style: chr4-47427842-G-T.
Other names: c.1232G>T (NM_000812.3); short protein forms R411L.
Identifiers: ClinVar variation 1414325 (VCV001414325.9), dbSNP rs867811295, ClinGen allele CA96624780.
Genomic context (GRCh38, chr4:47,425,825, plus strand): 5'-AGGCCACCATGTACTCCTATGACAGCGCCAGCATCCAGTACCGCAAGCCCCTGAGCAGCC[G>T]CGAGGCCTACGGGCGCGCCCTGGACCGGCACGGGGTACCCAGCAAGGGGCGCATCCGCAG-3'
Protein context (NP_000803.2, residues 401-421): SIQYRKPLSS[Arg411Leu]EAYGRALDRH

ClinVar aggregate classification (germline): Uncertain significance. Review status: criteria provided, multiple submitters, no conflicts (2 of 4 stars). 2 submissions from 2 submitters: Uncertain significance (2). Last evaluated 2025-02-27.

gnomAD v4.1: 8 of 1,614,046 alleles (0.0005%); highest among the groups gnomAD compares: African/African-American, 0.0067%; no homozygotes.

Submissions (2):

Ambry Genetics
Classification: Uncertain significance. Last evaluated: 2025-02-27. Review status: criteria provided, single submitter. Criteria: Ambry Variant Classification Scheme 2023. Collection method: clinical testing. Allele origin: germline.

Labcorp Genetics (formerly Invitae), Labcorp
Classification: Uncertain significance. Last evaluated: 2024-12-02. Review status: criteria provided, single submitter. Criteria: Invitae Variant Classification Sherloc (09022015). Collection method: clinical testing. Allele origin: germline.
Comment: This sequence change replaces arginine, which is basic and polar, with leucine, which is neutral and non-polar, at codon 411 of the GABRB1 protein (p.Arg411Leu). This variant is not present in population databases (gnomAD no frequency). This variant has not been reported in the literature in individuals affected with GABRB1-related conditions. ClinVar contains an entry for this variant (Variation ID: 1414325). Invitae Evidence Modeling of protein sequence and biophysical properties (such as structural, functional, and spatial information, amino acid conservation, physicochemical variation, residue mobility, and thermodynamic stability) indicates that this missense variant is not expected to disrupt GABRB1 protein function with a negative predictive value of 95%. In summary, the available evidence is currently insufficient to determine the role of this variant in disease. Therefore, it has been classified as a Variant of Uncertain Significance.